The following is an entry in ClinVar:

NM_005051.3(QARS1):c.2151G>T (p.Leu717=)

Gene: QARS1 (glutaminyl-tRNA synthetase 1; minus strand). Cytogenetic location: 3p21.31.
Variant type: single nucleotide variant.
Coding change: c.2151G>T on transcript NM_005051.3 (MANE Select); coding-DNA position 2151, G replaced by T.
Protein change: p.Leu717=; no amino-acid change (leucine 717 retained).
Molecular consequence: synonymous variant. On other transcripts: non-coding transcript variant (1).
Genome position (GRCh38, 1-based): chr3:49,098,192, C>A on the plus strand (G>T on the coding strand, the complement: QARS1 is on the minus strand). VCF-style: chr3-49098192-C-A. GRCh37 (hg19) VCF-style: chr3-49135625-C-A.
Other names: c.2118G>T, p.Leu706= (NM_001272073.2).
Identifiers: ClinVar variation 4854675 (VCV004854675.1).

ClinVar aggregate classification (germline): Uncertain significance (1 of 4 stars; one submission).

Conditions:
Diffuse cerebral and cerebellar atrophy - intractable seizures - progressive microcephaly syndrome. Also called: Microcephaly, progressive, with seizures and cerebral and cerebellar atrophy. Identifiers: Orphanet 404437, MedGen C4014239, MONDO:0014335, OMIM 615760.

Submission:

3billion
Classification: Uncertain significance for Diffuse cerebral and cerebellar atrophy - intractable seizures - progressive microcephaly syndrome. Last evaluated: 2025-09-08. Review status: criteria provided, single submitter. Criteria: ACMG Guidelines, 2015. Collection method: clinical testing. Allele origin: germline. Affected: yes.
Comment: The variant is not observed in the gnomAD v4.1.0 dataset. Predicted Consequence/Location: Synonymous variant In silico tools predict the variant to alter splicing and produce an abnormal transcript [SpliceAI: 0.48 (>=0.2, moderate evidence for spliceogenicity)]. Therefore, this variant is classified as VUS according to the recommendation of ACMG/AMP guideline.